The following is an entry in ClinVar:

NM_001384140.1(PCDH15):c.980T>A (p.Leu327His)

Gene: PCDH15 (protocadherin related 15; minus strand). Cytogenetic location: 10q21.1.
Variant type: single nucleotide variant.
Coding change: c.980T>A on transcript NM_001384140.1 (MANE Select); coding-DNA position 980, T replaced by A.
Protein change: p.Leu327His; replaces leucine 327 with histidine.
Molecular consequence: missense variant.
Genome position (GRCh38, 1-based): chr10:54,236,828, A>T on the plus strand (T>A on the coding strand, the complement: PCDH15 is on the minus strand). VCF-style: chr10-54236828-A-T. GRCh37 (hg19) VCF-style: chr10-55996588-A-T.
Other names: c.995T>A, p.Leu332His (NM_001142763.2, NM_001142769.4, NM_001142771.2); c.980T>A, p.Leu327His (NM_001142764.2, NM_001142765.2, NM_001142766.2 and 7 more transcripts); c.869T>A, p.Leu290His (NM_001142767.2); c.914T>A, p.Leu305His (NM_001142768.2, NM_001142773.2, NM_001354404.2); short protein forms L327H, L332H, L305H, L290H.
Identifiers: ClinVar variation 1902048 (VCV001902048.2), dbSNP rs2054671693, ClinGen allele CA376527878.

ClinVar aggregate classification (germline): Uncertain significance (1 of 4 stars; one submission).

Allele frequency attached by ClinVar (database versions not stated): gnomAD exomes below 0.00001; TOPMed 0.00001.
gnomAD v4.1: 2 of 1,609,442 alleles (0.00012%); highest among the groups gnomAD compares: Non-Finnish European, 0.00017%; no homozygotes.

Submission:

Labcorp Genetics (formerly Invitae), Labcorp
Classification: Uncertain significance. Last evaluated: 2021-10-22. Review status: criteria provided, single submitter. Criteria: Invitae Variant Classification Sherloc (09022015). Collection method: clinical testing. Allele origin: germline.
Comment: This sequence change replaces leucine with histidine at codon 327 of the PCDH15 protein (p.Leu327His). The leucine residue is highly conserved and there is a moderate physicochemical difference between leucine and histidine. This variant is not present in population databases (ExAC no frequency). This variant has not been reported in the literature in individuals with PCDH15-related conditions. Algorithms developed to predict the effect of missense changes on protein structure and function are either unavailable or do not agree on the potential impact of this missense change (SIFT: "Deleterious"; PolyPhen-2: "Probably Damaging"; Align-GVGD: "Class C0"). In summary, the available evidence is currently insufficient to determine the role of this variant in disease. Therefore, it has been classified as a Variant of Uncertain Significance.